The following is an entry in ClinVar:

ClinVar aggregate classification (germline): Uncertain significance (1 of 4 stars; one submission).

Conditions:
Perlman syndrome (PRLMNS). Identifiers: Orphanet 2849, MedGen C0796113, MONDO:0009965, OMIM 267000.

Submission:

MVZ Medizinische Genetik Mainz
Classification: Uncertain significance for Perlman syndrome. Last evaluated: 2022-01-04. Review status: criteria provided, single submitter. Criteria: UK Practice Guidelines For Variant Classification V4 01 2020. Collection method: clinical testing. Allele origin: germline. Inheritance: Autosomal recessive inheritance. Affected: yes. Observed: 1 variant allele.
Comment: ACMG Criteria: PVS1_STR, PM2_SUP (ACMG Version 3)

NM_152383.5(DIS3L2):c.1440G>A (p.Trp480Ter)

Gene: DIS3L2 (DIS3 like 3'-5' exoribonuclease 2; plus strand). Cytogenetic location: 2q37.1.
Variant type: single nucleotide variant.
Coding change: c.1440G>A on transcript NM_152383.5 (MANE Select); coding-DNA position 1440, G replaced by A.
Protein change: p.Trp480Ter; replaces tryptophan 480 with a stop codon.
Molecular consequence: nonsense. On other transcripts: non-coding transcript variant (2).
Genome position (GRCh38, 1-based): chr2:232,263,221, G>A. VCF-style: chr2-232263221-G-A. GRCh37 (hg19) VCF-style: chr2-233127931-G-A.
Other names: c.1440G>A, p.Trp480Ter (NM_001257281.2); short protein forms W480*.
Identifiers: ClinVar variation 3236002 (VCV003236002.1), dbSNP rs2470078984, ClinGen allele CA350975154.
Genomic context (GRCh38, chr2:232,263,221, plus strand): 5'-AAACATTTGTCCTCACAATTCCCTTGTAATCTGTCCATCTTTGCAGATCCTTGATGAATG[G>A]TTTGGCCGGACCATCATCCGCTCCTGCACCAAACTTAGCTACGAGCATGCACAGAGCATG-3'